The following is an entry in ClinVar:

ClinVar aggregate classification (germline): Uncertain significance. Review status: criteria provided, multiple submitters, no conflicts (2 of 4 stars). 2 submissions from 2 submitters: Uncertain significance (2). Last evaluated 2026-08-07.

Conditions:
BDNF-related disorder. Also called: BDNF-related condition.

Allele frequency attached by ClinVar (database versions not stated): gnomAD exomes 0.00001; ExAC 0.00002; TOPMed 0.00006; ESP Exome Variant Server 0.00008; gnomAD 0.00009; 1000 Genomes Project 0.00060; 1000 Genomes Project 30x 0.00078.
gnomAD v4.1: 32 of 1,614,218 alleles (0.002%); highest among the groups gnomAD compares: African/African-American, 0.028%; no homozygotes.

Submissions (2):

PreventionGenetics, part of Exact Sciences
Classification: Uncertain significance for BDNF-related condition. Last evaluated: 2026-08-07. Review status: criteria provided, single submitter. Criteria: ACMG Guidelines, 2015. Collection method: clinical testing. Allele origin: germline.
Comment: The BDNF c.382G>A variant is predicted to result in the amino acid substitution p.Val128Met. This variant, also described as c.136G>A (p.Val46Met) in NM_170735, has been reported in an individual with severe, early-onset obesity; however, evidence to support pathogenicity was not provided (Zegers et al. 2013. PubMed ID: 23325614). This variant has also been associated with low resilience to psychological stress (referred to as rs146354977 in Azadmarzabadi and Haghighatfard 2021. PubMed ID: 34492034). This variant is reported in 0.028% of alleles in individuals of African descent in a large population database (gnomAD). At this time, the clinical significance of this variant is uncertain due to the absence of conclusive functional and genetic evidence.

Labcorp Genetics (formerly Invitae), Labcorp
Classification: Uncertain significance. Last evaluated: 2023-05-20. Review status: criteria provided, single submitter. Criteria: Invitae Variant Classification Sherloc (09022015). Collection method: clinical testing. Allele origin: germline.
Comment: In summary, the available evidence is currently insufficient to determine the role of this variant in disease. Therefore, it has been classified as a Variant of Uncertain Significance. Algorithms developed to predict the effect of missense changes on protein structure and function output the following: SIFT: "Not Available"; PolyPhen-2: "Benign"; Align-GVGD: "Not Available". The methionine amino acid residue is found in multiple mammalian species, which suggests that this missense change does not adversely affect protein function. This missense change has been observed in individual(s) with childhood obesity (PMID: 23325614). This variant is present in population databases (rs146354977, gnomAD 0.03%). This sequence change replaces valine, which is neutral and non-polar, with methionine, which is neutral and non-polar, at codon 46 of the BDNF protein (p.Val46Met).

Literature cited by the submitters: PubMed 23325614 (cited by Labcorp Genetics (formerly Invitae), Labcorp).

NM_001709.5(BDNF):c.136G>A (p.Val46Met)

Genes: BDNF (brain derived neurotrophic factor; minus strand), BDNF-AS (BDNF antisense RNA; plus strand). Cytogenetic location: 11p14.1.
Variant type: single nucleotide variant.
Coding change: c.136G>A on transcript NM_001709.5 (MANE Select); coding-DNA position 136, G replaced by A.
Protein change: p.Val46Met; replaces valine 46 with methionine.
Molecular consequence: missense variant. On other transcripts: non-coding transcript variant (5).
Genome position (GRCh38, 1-based): chr11:27,658,429, C>T on the plus strand (G>A on the coding strand, the complement: BDNF is on the minus strand). VCF-style: chr11-27658429-C-T. GRCh37 (hg19) VCF-style: chr11-27679976-C-T.
Other names: c.136G>A, p.Val46Met (NM_001143805.1, NM_001143806.1, NM_001143807.2 and 9 more transcripts); c.223G>A, p.Val75Met (NM_001143809.2); c.382G>A, p.Val128Met (NM_001143810.2); c.160G>A, p.Val54Met (NM_170731.5); c.181G>A, p.Val61Met (NM_170734.4); short protein forms V128M, V46M, V54M, V61M, V75M.
Identifiers: ClinVar variation 2636085 (VCV002636085.5), dbSNP rs146354977, ClinGen allele CA5929134.